The following is an entry in ClinVar:

ClinVar aggregate classification (germline): Likely benign (1 of 4 stars; one submission).

Allele frequency attached by ClinVar (database versions not stated): 1000 Genomes Project 30x 0.00172; 1000 Genomes Project 0.00180; ESP Exome Variant Server 0.00293; gnomAD 0.00333; TOPMed 0.00343.
gnomAD v4.1: 7,816 of 1,612,210 alleles (0.48%); highest among the groups gnomAD compares: Middle Eastern, 0.79%; 20 homozygotes.

Submission:

CeGaT Center for Human Genetics Tuebingen
Classification: Likely benign. Last evaluated: 2023-05-01. Review status: criteria provided, single submitter. Criteria: CeGaT Center For Human Genetics Tuebingen Variant Classification Criteria Version 2. Collection method: clinical testing. Allele origin: germline. Affected: yes. Observed: 1 variant allele.
Comment: PTPN9: BP4, BS2

NM_002833.4(PTPN9):c.1567+5C>T

Gene: PTPN9 (protein tyrosine phosphatase non-receptor type 9; minus strand). Cytogenetic location: 15q24.2.
Variant type: single nucleotide variant.
Coding change: c.1567+5C>T on transcript NM_002833.4 (MANE Select); 5 bases into the intron after coding-DNA position 1567, C replaced by T.
Molecular consequence: intron variant.
Genome position (GRCh38, 1-based): chr15:75,469,787, G>A on the plus strand (C>T on the coding strand, the complement: PTPN9 is on the minus strand). VCF-style: chr15-75469787-G-A. GRCh37 (hg19) VCF-style: chr15-75762128-G-A.
Identifiers: ClinVar variation 2645566 (VCV002645566.24), dbSNP rs62029744, ClinGen allele CA7668045.
Genomic context (GRCh38, chr15:75,469,787, plus strand): 5'-CTTTGTTTTTCCTCGTCCACCCCTACTGCCCCTGCAGACACCAAGAGCTGCATTAGGTGC[G>A]TTACCTGTCCTGCCAATGCCTGCACTGCAATGGACCACAATGGGTGGCTCAGGGCACTGC-3'